The following is an entry in ClinVar:

NM_012254.3(SLC27A5):c.1642C>T (p.Arg548Cys)

Gene: SLC27A5 (solute carrier family 27 member 5; minus strand). Cytogenetic location: 19q13.43.
Variant type: single nucleotide variant.
Coding change: c.1642C>T on transcript NM_012254.3 (MANE Select); coding-DNA position 1642, C replaced by T.
Protein change: p.Arg548Cys; replaces arginine 548 with cysteine.
Molecular consequence: missense variant.
Genome position (GRCh38, 1-based): chr19:58,499,517, G>A on the plus strand (C>T on the coding strand, the complement: SLC27A5 is on the minus strand). VCF-style: chr19-58499517-G-A. GRCh37 (hg19) VCF-style: chr19-59010884-G-A.
Other names: c.1390C>T, p.Arg464Cys (NM_001321196.2); c.1642C>T (NM_012254.2); short protein forms R548C, R464C.
Identifiers: ClinVar variation 289908 (VCV000289908.8), dbSNP rs375156687, ClinGen allele CA9717898.

ClinVar aggregate classification (germline): Uncertain significance. Review status: criteria provided, multiple submitters, no conflicts (2 of 4 stars). 3 submissions from 3 submitters: Uncertain significance (3). Last evaluated 2026-03-02.

Conditions:
SLC27A5-related disorder. Also called: SLC27A5-related condition.

Allele frequency attached by ClinVar (database versions not stated): gnomAD exomes 0.00001 and 0.00002; ExAC 0.00003; TOPMed 0.00006; ESP Exome Variant Server 0.00008; gnomAD 0.00008 and 0.00009.
gnomAD v4.1: 28 of 1,612,926 alleles (0.0017%); highest among the groups gnomAD compares: African/African-American, 0.027%; no homozygotes.

Submissions (3):

PreventionGenetics, part of Exact Sciences
Classification: Uncertain significance for SLC27A5-related condition. Last evaluated: 2026-03-02. Review status: criteria provided, single submitter. Criteria: ACMG Guidelines, 2015. Collection method: clinical testing. Allele origin: germline.
Comment: The SLC27A5 c.1642C>T variant is predicted to result in the amino acid substitution p.Arg548Cys. To our knowledge, this variant has not been reported in the literature. This variant is reported in 0.032% of alleles in individuals of African descent in gnomAD. At this time, the clinical significance of this variant is uncertain due to the absence of conclusive functional and genetic evidence.

Labcorp Genetics (formerly Invitae), Labcorp
Classification: Uncertain significance. Last evaluated: 2024-10-12. Review status: criteria provided, single submitter. Criteria: Invitae Variant Classification Sherloc (09022015). Collection method: clinical testing. Allele origin: germline.
Comment: This sequence change replaces arginine, which is basic and polar, with cysteine, which is neutral and slightly polar, at codon 548 of the SLC27A5 protein (p.Arg548Cys). This variant is present in population databases (rs375156687, gnomAD 0.03%). This variant has not been reported in the literature in individuals affected with SLC27A5-related conditions. ClinVar contains an entry for this variant (Variation ID: 289908). An algorithm developed to predict the effect of missense changes on protein structure and function (PolyPhen-2) suggests that this variant is likely to be disruptive. In summary, the available evidence is currently insufficient to determine the role of this variant in disease. Therefore, it has been classified as a Variant of Uncertain Significance.

Eurofins Ntd Llc (ga)
Classification: Uncertain significance. Last evaluated: 2016-08-11. Review status: criteria provided, single submitter. Criteria: EGL Classification Definitions 2015. Collection method: clinical testing. Allele origin: germline. Observed: 1 variant allele, 1 heterozygote.